The following is an entry in ClinVar:

NM_003718.5(CDK13):c.1242G>A (p.Pro414=)

Gene: CDK13 (cyclin dependent kinase 13; plus strand). Cytogenetic location: 7p14.1.
Variant type: single nucleotide variant.
Coding change: c.1242G>A on transcript NM_003718.5 (MANE Select); coding-DNA position 1242, G replaced by A.
Protein change: p.Pro414=; no amino-acid change (proline 414 retained).
Molecular consequence: synonymous variant.
Genome position (GRCh38, 1-based): chr7:39,987,629, G>A. VCF-style: chr7-39987629-G-A. GRCh37 (hg19) VCF-style: chr7-40027228-G-A.
Other names: c.1242G>A, p.Pro414= (NM_031267.4).
Identifiers: ClinVar variation 738683 (VCV000738683.33), dbSNP rs202080779, ClinGen allele CA4228460.
Genomic context (GRCh38, chr7:39,987,629, plus strand): 5'-ACTGATTAAATCTTAATTATTTCTCACCAGACGGTCTGGAAAATCCCGAAGCAGAAGCCC[G>A]TATTCATCTAGGCATTCAAGATCTCGTAGCAGGCACAGATTGTCTAGATCCAGAAGTCGT-3'
Protein context (NP_003709.3, residues 404-424): RRSGKSRSRS[Pro414=]YSSRHSRSRS

ClinVar aggregate classification (germline): Likely benign. Review status: criteria provided, multiple submitters, no conflicts (2 of 4 stars). 4 submissions from 4 submitters: Likely benign (3). 1 of the submissions does not count toward it. Last evaluated 2025-12-10.

Conditions:
CDK13-related disorder. Also called: CDK13-related condition. Identifiers: MedGen C5816700.

Allele frequency attached by ClinVar (database versions not stated): ESP Exome Variant Server 0.00008; ExAC 0.00012; gnomAD 0.00013; TOPMed 0.00014.

Submissions (4):

Labcorp Genetics (formerly Invitae), Labcorp
Classification: Likely benign. Last evaluated: 2025-12-10. Review status: criteria provided, single submitter. Criteria: Invitae Variant Classification Sherloc (09022015). Collection method: clinical testing. Allele origin: germline.

CeGaT Center for Human Genetics Tuebingen
Classification: Likely benign. Last evaluated: 2025-09-01. Review status: criteria provided, single submitter. Criteria: CeGaT Center For Human Genetics Tuebingen Variant Classification Criteria Version 2. Collection method: clinical testing. Allele origin: germline. Affected: yes. Observed: 4 variant alleles.
Comment: CDK13: BP4, BP7

Breakthrough Genomics
Classification: Likely benign. Review status: criteria provided, single submitter. Criteria: ACMG Guidelines, 2015. Collection method: not provided. Allele origin: germline. Inheritance: Autosomal dominant inheritance. Affected: yes.

PreventionGenetics, part of Exact Sciences
Classification: Likely benign for CDK13-related condition. Last evaluated: 2019-03-21. Review status: no assertion criteria provided. Collection method: clinical testing. Allele origin: germline. Not counted in ClinVar's aggregate classification.
Comment: This variant is classified as likely benign based on ACMG/AMP sequence variant interpretation guidelines (Richards et al. 2015 PMID: 25741868, with internal and published modifications).